The following is an entry in ClinVar:

NM_001297.5(CNGB1):c.-57G>C

Gene: CNGB1 (cyclic nucleotide gated channel subunit beta 1; minus strand). Cytogenetic location: 16q21.
Variant type: single nucleotide variant.
Coding change: c.-57G>C on transcript NM_001297.5 (MANE Select); 57 bases upstream of the start codon, G replaced by C.
Molecular consequence: 5 prime UTR variant.
Genome position (GRCh38, 1-based): chr16:57,971,108, C>G on the plus strand (G>C on the coding strand, the complement: CNGB1 is on the minus strand). VCF-style: chr16-57971108-C-G. GRCh37 (hg19) VCF-style: chr16-58005012-C-G.
Other names: c.-57G>C (NM_001135639.2, NM_001286130.2).
Identifiers: ClinVar variation 4990177 (VCV004990177.1).
Genomic context (GRCh38, chr16:57,971,108, plus strand): 5'-ACCCTGAGTTACCTGCTTAGATGCCAACCGCCAGCCAGGAATTGCCTTCTTGCTGCCACT[C>G]GTAGCTGGCCCCTCAGACACAAGGAAGATTAATTGGCAGTAGCTGGGCCGTGTGCAAAGG-3'

ClinVar aggregate classification (germline): Likely benign (1 of 4 stars; one submission).

Conditions:
CNGB1-related disorder. Also called: CNGB1-related condition.

gnomAD v4.1: 34 of 152,282 alleles (0.022%); highest among the groups gnomAD compares: African/African-American, 0.08%; no homozygotes.

Submission:

PreventionGenetics, part of Exact Sciences
Classification: Likely benign for CNGB1-related condition. Last evaluated: 2025-11-24. Review status: criteria provided, single submitter. Criteria: ACMG Guidelines, 2015. Collection method: clinical testing. Allele origin: germline.
Comment: This variant is classified as likely benign based on ACMG/AMP sequence variant interpretation guidelines (Richards et al. 2015 PMID: 25741868, with internal and published modifications).